The following is an entry in ClinVar:

NM_004415.4(DSP):c.2794-4A>G

Gene: DSP (desmoplakin; plus strand). Cytogenetic location: 6p24.3.
Variant type: single nucleotide variant.
Coding change: c.2794-4A>G on transcript NM_004415.4 (MANE Select); 4 bases into the intron before coding-DNA position 2794, A replaced by G.
Molecular consequence: intron variant.
Genome position (GRCh38, 1-based): chr6:7,576,955, A>G. VCF-style: chr6-7576955-A-G. GRCh37 (hg19) VCF-style: chr6-7577188-A-G.
Other names: p.?; c.2794-4A>G (NM_001319034.2, NM_001008844.3).
Identifiers: ClinVar variation 3031722 (VCV003031722.3), dbSNP rs1428584732, ClinGen allele CA565105324.

ClinVar aggregate classification (germline): Likely benign. Review status: criteria provided, single submitter (1 of 4 stars). 2 submissions from 2 submitters: Likely benign (1). 1 of the submissions does not count toward it. Last evaluated 2025-01-17.

Conditions:
DSP-related disorder. Also called: DSP-related condition; DSP-related disorders.

Allele frequency attached by ClinVar (database versions not stated): gnomAD exomes below 0.00001; gnomAD 0.00001; TOPMed 0.00002.

Submissions (2):

Mayo Clinic Laboratories, Mayo Clinic
Classification: Likely benign. Last evaluated: 2025-01-17. Review status: criteria provided, single submitter. Criteria: ACMG Guidelines, 2015. Collection method: clinical testing. Allele origin: germline. Observed: 1 variant allele.
Comment: BP4, BP7

PreventionGenetics, part of Exact Sciences
Classification: Likely benign for DSP-related condition. Last evaluated: 2021-05-07. Review status: no assertion criteria provided. Collection method: clinical testing. Allele origin: germline. Not counted in ClinVar's aggregate classification.
Comment: This variant is classified as likely benign based on ACMG/AMP sequence variant interpretation guidelines (Richards et al. 2015 PMID: 25741868, with internal and published modifications).